The following is an entry in ClinVar:

NM_000256.3(MYBPC3):c.2058del (p.Ile687fs)

Gene: MYBPC3 (myosin binding protein C3; minus strand). Cytogenetic location: 11p11.2.
Variant type: Deletion.
Coding change: c.2058del on transcript NM_000256.3 (MANE Select); coding-DNA position 2058, one base deleted (T; older notation c.2058delT).
Protein change: p.Ile687fs; shifts the reading frame from isoleucine 687.
Molecular consequence: frameshift variant.
Genome position (GRCh38, 1-based): chr11:47,339,660, A deleted on the plus strand (T on the coding strand, the reverse complement: MYBPC3 is on the minus strand). VCF-style (leftmost placement, unchanged base first): chr11-47339659-TA-T. GRCh37 (hg19) VCF-style: chr11-47361210-TA-T.
Other names: c.2058del, p.Ile687fs (LRG_386t1); c.2058delT (NM_000256.3); short protein forms I687fs.
Identifiers: ClinVar variation 419099 (VCV000419099.2), dbSNP rs1064793642, ClinGen allele CA16619339.

ClinVar aggregate classification (germline): Pathogenic (1 of 4 stars; one submission).

Submission:

GeneDx
Classification: Pathogenic. Last evaluated: 2015-05-20. Review status: criteria provided, single submitter. Criteria: GeneDx Variant Classification (06012015). Collection method: clinical testing. Allele origin: germline. Affected: yes.
Comment: Although the c.2058delT variant in the MYBPC3 gene has not been reported to our knowledge, this deletioncauses a shift in reading frame starting at codon Isoleucine 687, changing it to a Serine, and creating apremature stop codon at position 67 of the new reading frame, denoted p.Ile687SerfsX67. This deletion isexpected to result in either an abnormal, truncated protein product or loss of protein from this allele throughnonsense-mediated mRNA decay. Other frameshift variants in the MYBPC3 gene have been reported inHGMD in association with cardiomyopathy (Stenson P et al., 2014). Furthermore, the c.2058delT deletion was not observed in approximately 6,200 individuals of European and African American ancestry in theNHLBI Exome Sequencing Project, indicating it is not a common benign variant in these populations.In summary, c.2058delT in the MYBPC3 gene is interpreted as a pathogenic variant.